The following is an entry in ClinVar:

NM_000030.3(AGXT):c.26C>A (p.Thr9Asn)

Gene: AGXT (alanine--glyoxylate aminotransferase; plus strand). Cytogenetic location: 2q37.3.
Variant type: single nucleotide variant.
Coding change: c.26C>A on transcript NM_000030.3 (MANE Select); coding-DNA position 26, C replaced by A.
Protein change: p.Thr9Asn; replaces threonine 9 with asparagine.
Molecular consequence: missense variant.
Genome position (GRCh38, 1-based): chr2:240,868,891, C>A. VCF-style: chr2-240868891-C-A. GRCh37 (hg19) VCF-style: chr2-241808308-C-A.
Other names: short protein forms T9N.
Identifiers: ClinVar variation 204016 (VCV000204016.49), dbSNP rs115014558, ClinGen allele CA275540.

ClinVar aggregate classification (germline): Benign/Likely benign. Review status: criteria provided, multiple submitters, no conflicts (2 of 4 stars). 13 submissions from 13 submitters: Benign (5); Likely benign (6). 2 of the submissions do not count toward it. Last evaluated 2026-08-01.

Conditions:
Primary hyperoxaluria, type I (HP1). Also called: GLYCOLIC ACIDURIA; HEPATIC AGT DEFICIENCY; OXALOSIS I; Primary hyperoxaluria type 1. Identifiers: Orphanet 416, Orphanet 93598, MedGen C0268164, MONDO:0009823, OMIM 259900. Disease mechanism: loss of function.

Allele frequency attached by ClinVar (database versions not stated): 1000 Genomes Project 0.00379; gnomAD 0.00718 and 0.00719; ExAC 0.01121; ESP Exome Variant Server 0.00670; gnomAD exomes 0.00919; TOPMed 0.00682; 1000 Genomes Project 30x 0.00468.
gnomAD v4.1: 14,306 of 1,611,766 alleles (0.89%); highest among the groups gnomAD compares: Middle Eastern, 1.4%; 80 homozygotes.

Submissions (13):

CeGaT Center for Human Genetics Tuebingen
Classification: Likely benign. Last evaluated: 2026-08-01. Review status: criteria provided, single submitter. Criteria: CeGaT Center For Human Genetics Tuebingen Variant Classification Criteria Version 2. Collection method: clinical testing. Allele origin: germline. Affected: yes. Observed: 8 variant alleles.
Comment: AGXT: BP4, BS2

Labcorp Genetics (formerly Invitae), Labcorp
Classification: Benign. Last evaluated: 2026-02-04. Review status: criteria provided, single submitter. Criteria: Invitae Variant Classification Sherloc (09022015). Collection method: clinical testing. Allele origin: germline.

Mayo Clinic Laboratories, Mayo Clinic
Classification: Benign. Last evaluated: 2025-03-21. Review status: criteria provided, single submitter. Criteria: ACMG Guidelines, 2015. Collection method: clinical testing. Allele origin: germline. Observed: 1 variant allele.
Comment: BA1, BS2, BP4

Blueprint Genetics
Classification: Likely benign. Last evaluated: 2024-11-26. Review status: criteria provided, single submitter. Criteria: ACMG Guidelines, 2015. Collection method: clinical testing. Allele origin: germline.

Women's Health and Genetics/Laboratory Corporation of America, LabCorp
Classification: Likely benign. Last evaluated: 2021-12-18. Review status: criteria provided, single submitter. Criteria: LabCorp Variant Classification Summary - May 2015. Collection method: clinical testing. Allele origin: germline.

Mendelics
Classification: Likely benign for Primary hyperoxaluria, type I. Last evaluated: 2019-05-28. Review status: criteria provided, single submitter. Criteria: Mendelics Assertion Criteria 2017. Collection method: clinical testing. Allele origin: unknown.

GeneDx
Classification: Benign. Last evaluated: 2018-12-04. Review status: criteria provided, single submitter. Criteria: GeneDx Variant Classification Process June 2021. Collection method: clinical testing. Allele origin: germline. Affected: yes.
Comment: This variant is associated with the following publications: (PMID: 28969594, 27884173, 15849466, 21228398, 20981092, 17495019)

Illumina Laboratory Services, Illumina
Classification: Likely benign for Primary hyperoxaluria, type I. Last evaluated: 2018-02-13. Review status: criteria provided, single submitter. Criteria: ICSL Variant Classification Criteria 13 December 2019. Collection method: clinical testing. Allele origin: germline.
Comment: This variant was observed as part of a predisposition screen in an ostensibly healthy population. A literature search was performed for the gene, cDNA change, and amino acid change (where applicable). Publications were found based on this search. The evidence from the literature, in combination with allele frequency data from public databases where available, was sufficient to determine this variant is unlikely to cause disease. Therefore, this variant is classified as likely benign.

Laboratory for Molecular Medicine, Mass General Brigham Personalized Medicine
Classification: Benign. Last evaluated: 2016-03-28. Review status: criteria provided, single submitter. Criteria: LMM Criteria. Collection method: clinical testing. Allele origin: germline.
Comment: Variant identified in a genome or exome case(s) and assessed due to predicted null impact of the variant or pathogenic assertions in the literature or databases. Disclaimer: This variant has not undergone full assessment. The following are preliminary notes: ExAC frequency

Eurofins Ntd Llc (ga)
Classification: Benign. Last evaluated: 2015-09-17. Review status: criteria provided, single submitter. Criteria: EGL Classification Definitions 2015. Collection method: clinical testing. Allele origin: germline. Observed: 2 variant alleles, 2 heterozygotes.

Breakthrough Genomics
Classification: Likely benign. Review status: criteria provided, single submitter. Criteria: ACMG Guidelines, 2015. Collection method: not provided. Allele origin: germline. Inheritance: Autosomal recessive inheritance. Affected: yes.

Natera, Inc.
Classification: Benign for Primary hyperoxaluria type I. Last evaluated: 2020-09-16. Review status: no assertion criteria provided. Collection method: clinical testing. Allele origin: germline. Not counted in ClinVar's aggregate classification.

Clinical Biochemistry Laboratory, Health Services Laboratory
Classification: Uncertain significance for Primary hyperoxaluria, type I. Last evaluated: 2014-11-27. Review status: no assertion criteria provided. Collection method: in vitro. Allele origin: germline. Affected: yes. Not counted in ClinVar's aggregate classification.

Literature cited by the submitters: PubMed 17460142 (cited by Illumina Laboratory Services, Illumina); PubMed 17495019 (cited by Illumina Laboratory Services, Illumina and Clinical Biochemistry Laboratory, Health Services Laboratory); PubMed 19479957 (cited by Illumina Laboratory Services, Illumina); PubMed 15849466 (cited by Illumina Laboratory Services, Illumina and Clinical Biochemistry Laboratory, Health Services Laboratory); PubMed 15961946 (cited by Clinical Biochemistry Laboratory, Health Services Laboratory).